The following is an entry in ClinVar:

ClinVar aggregate classification (germline): Uncertain significance. Review status: criteria provided, multiple submitters, no conflicts (2 of 4 stars). 2 submissions from 2 submitters: Uncertain significance (2). Last evaluated 2026-04-09.

Conditions:
MOGS-congenital disorder of glycosylation. Also called: CDG IIb; GLUCOSIDASE I DEFICIENCY; MOGS-CDG; CDG 2B. Identifiers: Orphanet 79330, MedGen C1853736, MONDO:0011629, OMIM 606056.

Allele frequency attached by ClinVar (database versions not stated): TOPMed below 0.00001; ExAC 0.00001; gnomAD exomes 0.00002 and 0.00003.
gnomAD v4.1: 39 of 1,614,084 alleles (0.0024%); highest among the groups gnomAD compares: Non-Finnish European, 0.003%; no homozygotes.

Submissions (2):

Women's Health and Genetics/Laboratory Corporation of America, LabCorp
Classification: Uncertain significance. Last evaluated: 2026-04-09. Review status: criteria provided, single submitter. Criteria: LabCorp Variant Classification Summary - May 2015. Collection method: clinical testing. Allele origin: germline.
Comment: Variant summary: MOGS c.2152G>A (p.Asp718Asn) results in a conservative amino acid change in the encoded protein sequence. Algorithms developed to predict the effect of missense changes on protein structure and function are either unavailable or do not agree on the potential impact of this missense change. The variant allele was found at a frequency of 1.6e-05 in 249172 control chromosomes. The available data on variant occurrences in the general population are insufficient to allow any conclusion about variant significance. To our knowledge, no occurrence of c.2152G>A in individuals affected with MOGS-related conditions and no experimental evidence demonstrating its impact on protein function have been reported. ClinVar contains an entry for this variant (Variation ID: 1351613). Based on the evidence outlined above, the variant was classified as uncertain significance.

Labcorp Genetics (formerly Invitae), Labcorp
Classification: Uncertain significance for MOGS-congenital disorder of glycosylation. Last evaluated: 2022-06-27. Review status: criteria provided, single submitter. Criteria: Invitae Variant Classification Sherloc (09022015). Collection method: clinical testing. Allele origin: germline.
Comment: This sequence change replaces aspartic acid, which is acidic and polar, with asparagine, which is neutral and polar, at codon 718 of the MOGS protein (p.Asp718Asn). This variant is present in population databases (rs747152213, gnomAD 0.006%). This variant has not been reported in the literature in individuals affected with MOGS-related conditions. Algorithms developed to predict the effect of missense changes on protein structure and function are either unavailable or do not agree on the potential impact of this missense change (SIFT: "Deleterious"; PolyPhen-2: "Possibly Damaging"; Align-GVGD: "Class C15"). In summary, the available evidence is currently insufficient to determine the role of this variant in disease. Therefore, it has been classified as a Variant of Uncertain Significance.

NM_006302.3(MOGS):c.2152G>A (p.Asp718Asn)

Gene: MOGS (mannosyl-oligosaccharide glucosidase; minus strand). Cytogenetic location: 2p13.1.
Variant type: single nucleotide variant.
Coding change: c.2152G>A on transcript NM_006302.3 (MANE Select); coding-DNA position 2152, G replaced by A.
Protein change: p.Asp718Asn; replaces aspartic acid 718 with asparagine.
Molecular consequence: missense variant.
Genome position (GRCh38, 1-based): chr2:74,461,637, C>T on the plus strand (G>A on the coding strand, the complement: MOGS is on the minus strand). VCF-style: chr2-74461637-C-T. GRCh37 (hg19) VCF-style: chr2-74688764-C-T.
Other names: c.1834G>A, p.Asp612Asn (NM_001146158.2); short protein forms D612N, D718N.
Identifiers: ClinVar variation 1351613 (VCV001351613.4), dbSNP rs747152213, ClinGen allele CA1724646.